The following is an entry in ClinVar:

NM_014956.5(CEP164):c.3482T>G (p.Met1161Arg)

Gene: CEP164 (centrosomal protein 164; plus strand). Cytogenetic location: 11q23.3.
Variant type: single nucleotide variant.
Coding change: c.3482T>G on transcript NM_014956.5 (MANE Select); coding-DNA position 3482, T replaced by G.
Protein change: p.Met1161Arg; replaces methionine 1161 with arginine.
Molecular consequence: missense variant.
Genome position (GRCh38, 1-based): chr11:117,397,294, T>G. VCF-style: chr11-117397294-T-G. GRCh37 (hg19) VCF-style: chr11-117268010-T-G.
Other names: c.3491T>G, p.Met1164Arg (NM_001271933.2); c.3488T>G, p.Met1163Arg (NM_001440949.1); c.3482T>G, p.Met1161Arg (NM_001440950.1, NM_001440951.1, NM_001440953.1); c.3314T>G, p.Met1105Arg (NM_001440952.1, NM_001440969.1); c.3404T>G, p.Met1135Arg (NM_001440954.1, NM_001440955.1, NM_001440958.1 and 1 more transcripts); c.3395T>G, p.Met1132Arg (NM_001440956.1); c.3392T>G, p.Met1131Arg (NM_001440957.1); c.3353T>G, p.Met1118Arg (NM_001440960.1); and 13 more; short protein forms M1016R, M1042R, M1105R, M1111R, M1118R, M1065R, M1086R, M1091R.
Identifiers: ClinVar variation 5001850 (VCV005001850.1).
Genomic context (GRCh38, chr11:117,397,294, plus strand): 5'-AGCTGGCCAGTGCGCAGGAGGTGGCCAAAGACCCACCAGGCATCAAGGCCCTGGAAGATA[T>G]GCGCAAGAACCTGGAGAAGGTCAGGAGCTTTGGGAAGGGCCTGCCAGCCCTGTGTGGGGG-3'
Protein context (NP_055771.4, residues 1151-1171): DPPGIKALED[Met1161Arg]RKNLEKETRH

ClinVar aggregate classification (germline): Uncertain significance (1 of 4 stars; one submission).

Conditions:
CEP164-related disorder. Also called: CEP164-related condition.

Submission:

PreventionGenetics, part of Exact Sciences
Classification: Uncertain significance for CEP164-related condition. Last evaluated: 2025-11-07. Review status: criteria provided, single submitter. Criteria: ACMG Guidelines, 2015. Collection method: clinical testing. Allele origin: germline.
Comment: The CEP164 c.3482T>G variant is predicted to result in the amino acid substitution p.Met1161Arg. To our knowledge, this variant has not been reported in the literature or in a large population database (gnomAD), indicating this variant is rare. At this time, the clinical significance of this variant is uncertain due to the absence of conclusive functional and genetic evidence.